The following is an entry in ClinVar:

NM_005055.5(RAPSN):c.603C>G (p.Ser201Arg)

Gene: RAPSN (receptor associated protein of the synapse; minus strand). Cytogenetic location: 11p11.2.
Variant type: single nucleotide variant.
Coding change: c.603C>G on transcript NM_005055.5 (MANE Select); coding-DNA position 603, C replaced by G.
Protein change: p.Ser201Arg; replaces serine 201 with arginine.
Molecular consequence: missense variant. On other transcripts: intron variant (4).
Genome position (GRCh38, 1-based): chr11:47,442,743, G>C on the plus strand (C>G on the coding strand, the complement: RAPSN is on the minus strand). VCF-style: chr11-47442743-G-C. GRCh37 (hg19) VCF-style: chr11-47464295-G-C.
Other names: c.603C>G, p.Ser201Arg (NM_001440490.1, NM_001440491.1, NM_001440492.1 and 8 more transcripts); c.264C>G, p.Ser88Arg (NM_001440504.1); c.532-822C>G (NM_001440503.1, NM_001440493.1, NM_001440502.1 and 1 more transcripts); short protein forms S88R, S201R.
Identifiers: ClinVar variation 4787729 (VCV004787729.1).

ClinVar aggregate classification (germline): Uncertain significance (1 of 4 stars; one submission).

Conditions:
Congenital myasthenic syndrome 11. Also called: MYASTHENIC SYNDROME, CONGENITAL, Ie; Myasthenic syndrome, congenital, 11, associated with acetylcholine receptor deficiency. Identifiers: Orphanet 590, MedGen C4225367, MONDO:0014588, OMIM 616326.
Fetal akinesia deformation sequence 1 (FADS1). Also called: Fetal akinesia sequence; Pena-Shokeir syndrome type I. Identifiers: Orphanet 994, MedGen C1276035, MONDO:0100101, OMIM 208150, HP:0001989.

Submission:

Labcorp Genetics (formerly Invitae), Labcorp
Classification: Uncertain significance for Congenital myasthenic syndrome 11; Fetal akinesia deformation sequence 1. Last evaluated: 2025-05-14. Review status: criteria provided, single submitter. Criteria: Invitae Variant Classification Sherloc (09022015). Collection method: clinical testing. Allele origin: germline.
Comment: This sequence change replaces serine, which is neutral and polar, with arginine, which is basic and polar, at codon 201 of the RAPSN protein (p.Ser201Arg). This variant is not present in population databases (gnomAD no frequency). This missense change has been observed in individual(s) with RAPSN-related conditions (PMID: 32403337). Invitae Evidence Modeling of protein sequence and biophysical properties (such as structural, functional, and spatial information, amino acid conservation, physicochemical variation, residue mobility, and thermodynamic stability) has been performed for this missense variant. However, the output from this modeling did not meet the statistical confidence thresholds required to predict the impact of this variant on RAPSN protein function. In summary, the available evidence is currently insufficient to determine the role of this variant in disease. Therefore, it has been classified as a Variant of Uncertain Significance.

Literature cited by the submitters: PubMed 32403337.